The following is an entry in ClinVar:

NM_000384.3(APOB):c.1058C>T (p.Thr353Ile)

Gene: APOB (apolipoprotein B; minus strand). Cytogenetic location: 2p24.1.
Variant type: single nucleotide variant.
Coding change: c.1058C>T on transcript NM_000384.3 (MANE Select); coding-DNA position 1058, C replaced by T.
Protein change: p.Thr353Ile; replaces threonine 353 with isoleucine.
Molecular consequence: missense variant.
Genome position (GRCh38, 1-based): chr2:21,033,365, G>A on the plus strand (C>T on the coding strand, the complement: APOB is on the minus strand). VCF-style: chr2-21033365-G-A. GRCh37 (hg19) VCF-style: chr2-21256237-G-A.
Other names: c.1058C>T (NM_000384.2); short protein forms T353I.
Identifiers: ClinVar variation 2197197 (VCV002197197.6), dbSNP rs1434245457, ClinGen allele CA345958651.

ClinVar aggregate classification (germline): Conflicting classifications of pathogenicity. Review status: criteria provided, conflicting classifications (1 of 4 stars). 3 submissions from 3 submitters: Uncertain significance (2); Likely benign (1). Last evaluated 2026-01-22.

Conditions:
Familial hypobetalipoproteinemia 1. Also called: Hypobetalipoproteinemia, normotriglyceridemic; Acanthocytosis with hypobetalipoproteinemia; APOB-Related Familial Hypobetalipoproteinemia. Identifiers: MedGen C4551990, MONDO:0014252, OMIM 615558.
Hypercholesterolemia, autosomal dominant, type B (FHCL2). Also called: Familial hypercholesterolemia 2; APOB-Related Familial Hypercholesterolemia, Autosomal Dominant; Familial Hypercholesterolemia Type B; APOLIPOPROTEIN B-100, FAMILIAL DEFECTIVE; APOLIPOPROTEIN B-100, FAMILIAL LIGAND-DEFECTIVE; HYPERCHOLESTEROLEMIA, FAMILIAL, DUE TO LIGAND-DEFECTIVE APOLIPOPROTEIN B. Identifiers: MedGen C1704417, MONDO:0007751, OMIM 144010.
Cardiovascular phenotype. Identifiers: MedGen CN230736.

Submissions (3):

GeneDx
Classification: Uncertain significance. Last evaluated: 2026-01-22. Review status: criteria provided, single submitter. Criteria: GeneDx Variant Classification Process June 2021. Collection method: clinical testing. Allele origin: germline.
Comment: Not observed at significant frequency in large population cohorts (gnomAD); In silico analysis supports that this missense variant has a deleterious effect on protein structure/function; Has not been previously published as pathogenic or benign to our knowledge; Also known as T326I

Ambry Genetics
Classification: Uncertain significance for Cardiovascular phenotype. Last evaluated: 2024-08-28. Review status: criteria provided, single submitter. Criteria: Ambry Variant Classification Scheme 2023. Collection method: clinical testing. Allele origin: germline.
Comment: The p.T353I variant (also known as c.1058C>T), located in coding exon 9 of the APOB gene, results from a C to T substitution at nucleotide position 1058. The threonine at codon 353 is replaced by isoleucine, an amino acid with similar properties. This amino acid position is conserved. In addition, the in silico prediction for this alteration is inconclusive. Based on the available evidence, the clinical significance of this variant remains unclear.

Labcorp Genetics (formerly Invitae), Labcorp
Classification: Likely benign for Familial hypobetalipoproteinemia 1; Hypercholesterolemia, autosomal dominant, type B. Last evaluated: 2022-11-14. Review status: criteria provided, single submitter. Criteria: Invitae Variant Classification Sherloc (09022015). Collection method: clinical testing. Allele origin: germline.